The following is an entry in ClinVar:

NM_001099271.2(POC5):c.905G>A (p.Arg302Lys)

Gene: POC5 (POC5 centriolar protein; minus strand). Cytogenetic location: 5q13.3.
Variant type: single nucleotide variant.
Coding change: c.905G>A on transcript NM_001099271.2 (MANE Select); coding-DNA position 905, G replaced by A.
Protein change: p.Arg302Lys; replaces arginine 302 with lysine.
Molecular consequence: missense variant.
Genome position (GRCh38, 1-based): chr5:75,690,453, C>T on the plus strand (G>A on the coding strand, the complement: POC5 is on the minus strand). VCF-style: chr5-75690453-C-T. GRCh37 (hg19) VCF-style: chr5-74986278-C-T.
Other names: c.830G>A, p.Arg277Lys (NM_152408.3); short protein forms R302K, R277K.
Identifiers: ClinVar variation 1472870 (VCV001472870.6), dbSNP rs202066997, ClinGen allele CA3310450.
Genomic context (GRCh38, chr5:75,690,453, plus strand): 5'-TTGGCTTCATAATCATTGGAAATCTGGATACAAACTTCTTCAGCTCTTGCTTGACAAGCT[C>T]TTTCTACCACATCTTTCCACTGCTTTTGCACTACGGAACGCCAGACTTTCCAGACTTTCT-3'
Protein context (NP_001092741.1, residues 292-312): VQKQWKDVVE[Arg302Lys]ACQARAEEVC

ClinVar aggregate classification (germline): Uncertain significance (1 of 4 stars; one submission).

Allele frequency attached by ClinVar (database versions not stated): gnomAD exomes 0.00003 and 0.00010; 1000 Genomes Project 30x 0.00016; ExAC 0.00018; 1000 Genomes Project 0.00020; gnomAD 0.00042 and 0.00046; TOPMed 0.00042; ESP Exome Variant Server 0.00118.
gnomAD v4.1: 107 of 1,612,140 alleles (0.0066%); highest among the groups gnomAD compares: African/African-American, 0.12%; no homozygotes.

Submission:

Labcorp Genetics (formerly Invitae), Labcorp
Classification: Uncertain significance. Last evaluated: 2025-12-22. Review status: criteria provided, single submitter. Criteria: Invitae Variant Classification Sherloc (09022015). Collection method: clinical testing. Allele origin: germline.
Comment: This sequence change replaces arginine, which is basic and polar, with lysine, which is basic and polar, at codon 302 of the POC5 protein (p.Arg302Lys). This variant is present in population databases (rs202066997, gnomAD 0.2%), and has an allele count higher than expected for a pathogenic variant. This variant has not been reported in the literature in individuals affected with POC5-related conditions. ClinVar contains an entry for this variant (Variation ID: 1472870). An algorithm developed to predict the effect of missense changes on protein structure and function outputs the following: PolyPhen-2: "Possibly Damaging". The lysine amino acid residue is found in multiple mammalian species, which suggests that this missense change does not adversely affect protein function. In summary, the available evidence is currently insufficient to determine the role of this variant in disease. Therefore, it has been classified as a Variant of Uncertain Significance.